The following is an entry in ClinVar:

NM_006846.4(SPINK5):c.882+45_882+46insT

Gene: SPINK5 (serine peptidase inhibitor Kazal type 5; plus strand). Cytogenetic location: 5q32.
Variant type: Insertion.
Coding change: c.882+45_882+46insT on transcript NM_006846.4 (MANE Select); bases 45 to 46 of the intron after coding-DNA position 882, T inserted.
Molecular consequence: intron variant.
Genome position: GRCh38 VCF-style: chr5-148095950-G-GT. GRCh37 (hg19) VCF-style: chr5-147475513-G-GT.
Other names: c.882+45_882+46insT (NM_001127698.2, NM_001127699.2).
Identifiers: ClinVar variation 1229809 (VCV001229809.7), dbSNP rs76839946, ClinGen allele CA3495398.
Genomic context (GRCh38, chr5:148,095,950, plus strand): 5'-TAAAAGAGAAATTGTGGTGAGAATCAGTTTGATCAATCTAGTTACAACTTGTGTGTGTGT[G>GT]GGGGGGTGCGTGTGTGAGAGAGTGCATATTACATAGTATGCACTTTCAATATTGTTTAAT-3'

ClinVar aggregate classification (germline): Benign. Review status: criteria provided, multiple submitters, no conflicts (2 of 4 stars). 3 submissions from 3 submitters: Benign (3). Last evaluated 2024-01-24.

Conditions:
Netherton syndrome (NETH). Also called: ERYTHRODERMA, ICHTHYOSIFORM, WITH HYPOTRICHOSIS AND HYPER-IgE; COMEL-NETHERTON SYNDROME; NETHERTON DISEASE. Identifiers: Orphanet 634, MedGen C5574950, MONDO:0009735, OMIM 256500.

Allele frequency attached by ClinVar (database versions not stated): 1000 Genomes Project 30x 0.44800; gnomAD exomes 0.51324.

Submissions (3):

Unidad de Genómica Garrahan, Hospital de Pediatría Garrahan
Classification: Benign. Last evaluated: 2024-01-24. Review status: criteria provided, single submitter. Criteria: ACMG Guidelines, 2015. Collection method: clinical testing. Allele origin: germline. Affected: no. Observed: 82 variant alleles.
Comment: This variant is classified as Benign based on local population frequency. This variant was detected in 86% of patients studied by a panel of primary immunodeficiencies. Number of patients: 82. Only high quality variants are reported.

Genome-Nilou Lab
Classification: Benign for Netherton syndrome. Last evaluated: 2021-07-15. Review status: criteria provided, single submitter. Criteria: ACMG Guidelines, 2015. Collection method: clinical testing. Allele origin: germline. Affected: no.

GeneDx
Classification: Benign. Last evaluated: 2018-06-14. Review status: criteria provided, single submitter. Criteria: GeneDx Variant Classification Process June 2021. Collection method: clinical testing. Allele origin: germline. Affected: yes.